The following is an entry in ClinVar:

NM_001261826.3(AP3D1):c.1448A>G (p.Tyr483Cys)

Gene: AP3D1 (adaptor related protein complex 3 subunit delta 1; minus strand). Cytogenetic location: 19p13.3.
Variant type: single nucleotide variant.
Coding change: c.1448A>G on transcript NM_001261826.3 (MANE Select); coding-DNA position 1448, A replaced by G.
Protein change: p.Tyr483Cys; replaces tyrosine 483 with cysteine.
Molecular consequence: missense variant.
Genome position (GRCh38, 1-based): chr19:2,120,895, T>C on the plus strand (A>G on the coding strand, the complement: AP3D1 is on the minus strand). VCF-style: chr19-2120895-T-C. GRCh37 (hg19) VCF-style: chr19-2120894-T-C.
Other names: c.1448A>G, p.Tyr483Cys (NM_001374799.1, NM_003938.8); short protein forms Y483C.
Identifiers: ClinVar variation 2554939 (VCV002554939.4), dbSNP rs769098920, ClinGen allele CA9059319.

ClinVar aggregate classification (germline): Uncertain significance. Review status: criteria provided, multiple submitters, no conflicts (2 of 4 stars). 2 submissions from 2 submitters: Uncertain significance (2). Last evaluated 2024-10-16.

Conditions:
Inborn genetic diseases. Identifiers: MedGen C0950123, MeSH D030342.

Allele frequency attached by ClinVar (database versions not stated): ExAC 0.00001; gnomAD exomes 0.00002.
gnomAD v4.1: 30 of 1,610,944 alleles (0.0019%); highest among the groups gnomAD compares: Non-Finnish European, 0.0024%; no homozygotes.

Submissions (2):

Labcorp Genetics (formerly Invitae), Labcorp
Classification: Uncertain significance. Last evaluated: 2024-10-16. Review status: criteria provided, single submitter. Criteria: Invitae Variant Classification Sherloc (09022015). Collection method: clinical testing. Allele origin: germline.
Comment: This sequence change replaces tyrosine, which is neutral and polar, with cysteine, which is neutral and slightly polar, at codon 483 of the AP3D1 protein (p.Tyr483Cys). This variant is present in population databases (rs769098920, gnomAD 0.002%). This variant has not been reported in the literature in individuals affected with AP3D1-related conditions. ClinVar contains an entry for this variant (Variation ID: 2554939). An algorithm developed to predict the effect of missense changes on protein structure and function (PolyPhen-2) suggests that this variant is likely to be tolerated. In summary, the available evidence is currently insufficient to determine the role of this variant in disease. Therefore, it has been classified as a Variant of Uncertain Significance.

Ambry Genetics
Classification: Uncertain significance for Inborn genetic diseases. Last evaluated: 2023-06-01. Review status: criteria provided, single submitter. Criteria: Ambry Variant Classification Scheme 2023. Collection method: clinical testing. Allele origin: germline.